The following is an entry in ClinVar:

NM_003001.5(SDHC):c.160C>G (p.Pro54Ala)

Gene: SDHC (succinate dehydrogenase complex subunit C; plus strand). Cytogenetic location: 1q23.3.
Variant type: single nucleotide variant.
Coding change: c.160C>G on transcript NM_003001.5 (MANE Select); coding-DNA position 160, C replaced by G.
Protein change: p.Pro54Ala; replaces proline 54 with alanine.
Molecular consequence: missense variant. On other transcripts: non-coding transcript variant (1), intron variant (4).
Genome position (GRCh38, 1-based): chr1:161,328,478, C>G. VCF-style: chr1-161328478-C-G. GRCh37 (hg19) VCF-style: chr1-161298268-C-G.
Other names: c.160C>G, p.Pro54Ala (NM_001035511.3, NM_001407115.1); c.103C>G, p.Pro35Ala (NM_001407116.1, NM_001407117.1, NM_001407121.1); c.49C>G, p.Pro17Ala (NM_001407119.1, NM_001407120.1); c.77+4808C>G (NM_001035512.3, NM_001278172.3, NM_001407118.1); c.21-12116C>G (NM_001035513.3); short protein forms P17A, P35A, P54A.
Identifiers: ClinVar variation 3757251 (VCV003757251.2).

ClinVar aggregate classification (germline): Uncertain significance (1 of 4 stars; one submission).

Conditions:
Gastrointestinal stromal tumor. Also called: Gastrointestinal stromal tumor, somatic; Gastrointestinal stroma tumor. Identifiers: Orphanet 44890, MedGen C0238198, MeSH D046152, MONDO:0011719, OMIM 606764, HP:0100723.
Pheochromocytoma/paraganglioma syndrome 3. Also called: GLOMUS TUMORS, FAMILIAL, 3; Paragangliomas 3; SDHC-Related Hereditary Paraganglioma-Pheochromocytoma Syndrome (Paragangliomas 3); SDHC-Related Hereditary Paraganglioma-Pheochromocytoma Syndrome. Identifiers: Orphanet 29072, MedGen C1854336, MONDO:0011544, OMIM 605373.

Submission:

Labcorp Genetics (formerly Invitae), Labcorp
Classification: Uncertain significance for Pheochromocytoma/paraganglioma syndrome 3; Gastrointestinal stromal tumor. Last evaluated: 2024-07-16. Review status: criteria provided, single submitter. Criteria: Invitae Variant Classification Sherloc (09022015). Collection method: clinical testing. Allele origin: germline.
Comment: This sequence change replaces proline, which is neutral and non-polar, with alanine, which is neutral and non-polar, at codon 54 of the SDHC protein (p.Pro54Ala). This variant is not present in population databases (gnomAD no frequency). This variant has not been reported in the literature in individuals affected with SDHC-related conditions. An algorithm developed to predict the effect of missense changes on protein structure and function (PolyPhen-2) suggests that this variant is likely to be disruptive. This variant disrupts the p.Pro54 amino acid residue in SDHC. Other variant(s) that disrupt this residue have been determined to be pathogenic (external communication). This suggests that this residue is clinically significant, and that variants that disrupt this residue are likely to be disease-causing. In summary, the available evidence is currently insufficient to determine the role of this variant in disease. Therefore, it has been classified as a Variant of Uncertain Significance.